The following is an entry in ClinVar:

NM_006231.4(POLE):c.5138C>A (p.Thr1713Asn)

Gene: POLE (DNA polymerase epsilon, catalytic subunit; minus strand). Cytogenetic location: 12q24.33.
Variant type: single nucleotide variant.
Coding change: c.5138C>A on transcript NM_006231.4 (MANE Select); coding-DNA position 5138, C replaced by A.
Protein change: p.Thr1713Asn; replaces threonine 1713 with asparagine.
Molecular consequence: missense variant.
Genome position (GRCh38, 1-based): chr12:132,642,212, G>T on the plus strand (C>A on the coding strand, the complement: POLE is on the minus strand). VCF-style: chr12-132642212-G-T. GRCh37 (hg19) VCF-style: chr12-133218798-G-T.
Other names: c.5138C>A (NM_006231.2); short protein forms T1713N.
Identifiers: ClinVar variation 958500 (VCV000958500.10), dbSNP rs2042160848, ClinGen allele CA387376744.

ClinVar aggregate classification (germline): Uncertain significance. Review status: criteria provided, multiple submitters, no conflicts (2 of 4 stars). 2 submissions from 2 submitters: Uncertain significance (2). Last evaluated 2025-05-12.

Conditions:
Hereditary cancer-predisposing syndrome. Also called: Tumor predisposition; Hereditary neoplastic syndrome; Neoplastic Syndromes, Hereditary; Hereditary Cancer Syndrome. Identifiers: Orphanet 140162, MedGen C0027672, MeSH D009386, MONDO:0015356.

Submissions (2):

Labcorp Genetics (formerly Invitae), Labcorp
Classification: Uncertain significance. Last evaluated: 2025-05-12. Review status: criteria provided, single submitter. Criteria: Invitae Variant Classification Sherloc (09022015). Collection method: clinical testing. Allele origin: germline.
Comment: This sequence change replaces threonine, which is neutral and polar, with asparagine, which is neutral and polar, at codon 1713 of the POLE protein (p.Thr1713Asn). This variant is not present in population databases (gnomAD no frequency). This variant has not been reported in the literature in individuals affected with POLE-related conditions. ClinVar contains an entry for this variant (Variation ID: 958500). Invitae Evidence Modeling of protein sequence and biophysical properties (such as structural, functional, and spatial information, amino acid conservation, physicochemical variation, residue mobility, and thermodynamic stability) indicates that this missense variant is not expected to disrupt POLE protein function with a negative predictive value of 80%. In summary, the available evidence is currently insufficient to determine the role of this variant in disease. Therefore, it has been classified as a Variant of Uncertain Significance.

Ambry Genetics
Classification: Uncertain significance for Hereditary cancer-predisposing syndrome. Last evaluated: 2024-08-07. Review status: criteria provided, single submitter. Criteria: Ambry Variant Classification Scheme 2023. Collection method: clinical testing. Allele origin: germline.
Comment: The p.T1713N variant (also known as c.5138C>A), located in coding exon 38 of the POLE gene, results from a C to A substitution at nucleotide position 5138. The threonine at codon 1713 is replaced by asparagine, an amino acid with similar properties. This amino acid position is conserved. In addition, this alteration is predicted to be tolerated by in silico analysis. Based on the available evidence, the clinical significance of this variant remains unclear.